The following is an entry in ClinVar:

NM_001164508.2(NEB):c.10651del (p.His3551fs)

Gene: NEB (nebulin; minus strand). Cytogenetic location: 2q23.3.
Variant type: Deletion.
Coding change: c.10651del on transcript NM_001164508.2 (MANE Select); coding-DNA position 10651, one base deleted (C; older notation c.10651delC).
Protein change: p.His3551fs; shifts the reading frame from histidine 3551.
Molecular consequence: frameshift variant.
Genome position (GRCh38, 1-based): chr2:151,619,672, G deleted on the plus strand (C on the coding strand, the reverse complement: NEB is on the minus strand); the first of 2 consecutive G bases (chr2:151,619,672-151,619,673); deleting either gives the same sequence. VCF-style (leftmost placement, unchanged base first): chr2-151619671-TG-T. GRCh37 (hg19) VCF-style: chr2-152476185-TG-T.
Other names: c.10651del, p.His3551fs (NM_001164507.2, NM_001271208.2); c.10650delC, p.His3551Thrfs (NM_001271208.1); c.9922del, p.His3308fs (NM_004543.5); short protein forms H3308fs, H3551fs.
Identifiers: ClinVar variation 4814702 (VCV004814702.1).

ClinVar aggregate classification (germline): Likely pathogenic (1 of 4 stars; one submission).

Conditions:
Nemaline myopathy 2 (NEM2). Also called: Nemaline myopathy 2, autosomal recessive. Identifiers: MedGen C1850569, MONDO:0009725, OMIM 256030.

Submission:

Natera, Inc.
Classification: Likely pathogenic for Nemaline myopathy type 2. Last evaluated: 2024-05-16. Review status: criteria provided, single submitter. Criteria: Natera Variant Classification Schema (03/2026). Collection method: clinical testing. Allele origin: germline.
Comment: The c.10651del variant in NEB is a frameshift variant predicted to shift the reading frame beginning at codon 3551 and leads to a stop codon 84 codons downstream. This variant is expected to result in nonsense mediated decay, truncation, or a dysfunctional protein product. This variant is rare in the general population with a frequency below the threshold expected for the associated phenotype(s). Given the available evidence, this variant is classified as Likely Pathogenic.